The following is an entry in ClinVar:

ClinVar aggregate classification (germline): Uncertain significance. Review status: criteria provided, multiple submitters, no conflicts (2 of 4 stars). 3 submissions from 3 submitters: Uncertain significance (3). Last evaluated 2025-07-21.

Conditions:
Hereditary cancer-predisposing syndrome. Also called: Hereditary Cancer Syndrome; Hereditary neoplastic syndrome; Tumor predisposition; Neoplastic Syndromes, Hereditary. Identifiers: Orphanet 140162, MedGen C0027672, MeSH D009386, MONDO:0015356.
Oligodontia-cancer predisposition syndrome. Also called: TOOTH AGENESIS-COLORECTAL CANCER SYNDROME. Identifiers: Orphanet 300576, MedGen C1837750, MONDO:0012075, OMIM 608615. Disease mechanism: loss of function.

Allele frequency attached by ClinVar (database versions not stated): gnomAD exomes below 0.00001 and 0.00001; TOPMed below 0.00001; ExAC 0.00001; gnomAD 0.00001.
gnomAD v4.1: 3 of 1,613,932 alleles (0.00019%); highest among the groups gnomAD compares: African/African-American, 0.004%; no homozygotes.

Submissions (3):

Labcorp Genetics (formerly Invitae), Labcorp
Classification: Uncertain significance for Oligodontia-cancer predisposition syndrome. Last evaluated: 2025-07-21. Review status: criteria provided, single submitter. Criteria: Invitae Variant Classification Sherloc (09022015). Collection method: clinical testing. Allele origin: germline.
Comment: This sequence change replaces cysteine, which is neutral and slightly polar, with arginine, which is basic and polar, at codon 541 of the AXIN2 protein (p.Cys541Arg). This variant is present in population databases (rs760712196, gnomAD 0.01%). This variant has not been reported in the literature in individuals affected with AXIN2-related conditions. ClinVar contains an entry for this variant (Variation ID: 972564). Invitae Evidence Modeling of protein sequence and biophysical properties (such as structural, functional, and spatial information, amino acid conservation, physicochemical variation, residue mobility, and thermodynamic stability) indicates that this missense variant is not expected to disrupt AXIN2 protein function with a negative predictive value of 80%. In summary, the available evidence is currently insufficient to determine the role of this variant in disease. Therefore, it has been classified as a Variant of Uncertain Significance.

Ambry Genetics
Classification: Uncertain significance for Hereditary cancer-predisposing syndrome. Last evaluated: 2024-07-15. Review status: criteria provided, single submitter. Criteria: Ambry Variant Classification Scheme 2023. Collection method: clinical testing. Allele origin: germline.
Comment: The p.C541R variant (also known as c.1621T>C), located in coding exon 5 of the AXIN2 gene, results from a T to C substitution at nucleotide position 1621. The cysteine at codon 541 is replaced by arginine, an amino acid with highly dissimilar properties. This amino acid position is conserved. In addition, the in silico prediction for this alteration is inconclusive. Since supporting evidence is limited at this time, the clinical significance of this alteration remains unclear.

GeneDx
Classification: Uncertain significance. Last evaluated: 2023-11-07. Review status: criteria provided, single submitter. Criteria: GeneDx Variant Classification Process June 2021. Collection method: clinical testing. Allele origin: germline. Affected: yes.
Comment: Not observed at significant frequency in large population cohorts (gnomAD); In silico analysis supports that this missense variant does not alter protein structure/function; Has not been previously published as pathogenic or benign to our knowledge

NM_004655.4(AXIN2):c.1621T>C (p.Cys541Arg)

Gene: AXIN2 (axin 2; minus strand). Cytogenetic location: 17q24.1.
Variant type: single nucleotide variant.
Coding change: c.1621T>C on transcript NM_004655.4 (MANE Select); coding-DNA position 1621, T replaced by C.
Protein change: p.Cys541Arg; replaces cysteine 541 with arginine.
Molecular consequence: missense variant.
Genome position (GRCh38, 1-based): chr17:65,537,415, A>G on the plus strand (T>C on the coding strand, the complement: AXIN2 is on the minus strand). VCF-style: chr17-65537415-A-G. GRCh37 (hg19) VCF-style: chr17-63533533-A-G.
Other names: c.1621T>C, p.Cys541Arg (NM_001363813.1); short protein forms C541R.
Identifiers: ClinVar variation 972564 (VCV000972564.12), dbSNP rs760712196, ClinGen allele CA8718599.